The following is an entry in ClinVar:

NM_033004.4(NLRP1):c.3519A>G (p.Gln1173=)

Gene: NLRP1 (NLR family pyrin domain containing 1; minus strand). Cytogenetic location: 17p13.2.
Variant type: single nucleotide variant.
Coding change: c.3519A>G on transcript NM_033004.4 (MANE Select); coding-DNA position 3519, A replaced by G.
Protein change: p.Gln1173=; no amino-acid change (glutamine 1173 retained).
Molecular consequence: synonymous variant.
Genome position (GRCh38, 1-based): chr17:5,530,482, T>C on the plus strand (A>G on the coding strand, the complement: NLRP1 is on the minus strand). VCF-style: chr17-5530482-T-C. GRCh37 (hg19) VCF-style: chr17-5433802-T-C.
Other names: c.3531A>G, p.Gln1177= (NM_001033053.3); c.3519A>G, p.Gln1173= (NM_014922.5); c.3429A>G, p.Gln1143= (NM_033006.4, NM_033007.4).
Identifiers: ClinVar variation 1970732 (VCV001970732.6), dbSNP rs201503113, ClinGen allele CA8326817.
Genomic context (GRCh38, chr17:5,530,482, plus strand): 5'-ACTCCCTTTCAGGCCCATAATTACCACCACCTTCCTCCCTATCCTTCCCTGTTGTTTACC[T>C]TGGAGAGCCACAAAGTGAGGGAGGTGCACAGCTTCCACAGCTCCAGGCTCAGCCTTGATG-3'
Protein context (NP_127497.1, residues 1163-1183): AVHLPHFVAL[Gln1173=]GGHVDTSLFQ

ClinVar aggregate classification (germline): Conflicting classifications of pathogenicity. Review status: criteria provided, conflicting classifications (1 of 4 stars). 2 submissions from 2 submitters: Uncertain significance (1); Likely benign (1). Last evaluated 2023-05-05.

Allele frequency attached by ClinVar (database versions not stated): ExAC 0.00001; gnomAD 0.00001; TOPMed 0.00001; gnomAD exomes 0.00003.
gnomAD v4.1: 42 of 1,613,424 alleles (0.0026%); highest among the groups gnomAD compares: Non-Finnish European, 0.0033%; no homozygotes.

Submissions (2):

Labcorp Genetics (formerly Invitae), Labcorp
Classification: Uncertain significance. Last evaluated: 2023-05-05. Review status: criteria provided, single submitter. Criteria: Invitae Variant Classification Sherloc (09022015). Collection method: clinical testing. Allele origin: germline.
Comment: This sequence change affects codon 1173 of the NLRP1 mRNA. It is a 'silent' change, meaning that it does not change the encoded amino acid sequence of the NLRP1 protein. It affects a nucleotide within the consensus splice site. This variant is present in population databases (rs201503113, gnomAD 0.002%). This variant has not been reported in the literature in individuals affected with NLRP1-related conditions. ClinVar contains an entry for this variant (Variation ID: 1970732). Algorithms developed to predict the effect of sequence changes on RNA splicing suggest that this variant may disrupt the consensus splice site. In summary, the available evidence is currently insufficient to determine the role of this variant in disease. Therefore, it has been classified as a Variant of Uncertain Significance.

Blueprint Genetics
Classification: Likely benign. Last evaluated: 2022-08-09. Review status: criteria provided, single submitter. Criteria: ACMG Guidelines, 2015. Collection method: clinical testing. Allele origin: germline.